The following is an entry in ClinVar:

ClinVar aggregate classification (germline): Conflicting classifications of pathogenicity. Review status: criteria provided, conflicting classifications (1 of 4 stars). 14 submissions from 14 submitters: Uncertain significance (4); Benign (1); Likely benign (7). 2 of the submissions do not count toward it. Last evaluated 2026-05-13.

Conditions:
BRCA2-related disorder. Also called: BRCA2-related condition; BRCA2-related disorders. Identifiers: MedGen CN239275.
Hereditary cancer-predisposing syndrome. Also called: Hereditary neoplastic syndrome; Tumor predisposition; Hereditary Cancer Syndrome; Neoplastic Syndromes, Hereditary. Identifiers: Orphanet 140162, MedGen C0027672, MeSH D009386, MONDO:0015356.
Hereditary breast ovarian cancer syndrome. Also called: Breast and ovarian cancer; Hereditary breast and/or ovarian cancer syndrome; BRCA1- and BRCA2-Associated Hereditary Breast and Ovarian Cancer; Hereditary breast and ovarian cancer syndrome; Hereditary breast and ovarian cancer; Hereditary breast and ovarian cancer syndrome (HBOC). Identifiers: Orphanet 145, MedGen C0677776, MeSH D061325, MONDO:0003582. Disease mechanism: loss of function.
Breast-ovarian cancer, familial, susceptibility to, 2 (BROVCA2). Also called: BRCA2 Hereditary Breast and Ovarian Cancer. Identifiers: Orphanet 145, MedGen C2675520, MONDO:0012933, OMIM 612555. Disease mechanism: loss of function.

Allele frequency attached by ClinVar (database versions not stated): TOPMed 0.00001; ExAC 0.00002; gnomAD 0.00002; gnomAD exomes 0.00003.
gnomAD v4.1: 56 of 1,613,942 alleles (0.0035%); highest among the groups gnomAD compares: Middle Eastern, 0.033%; no homozygotes.

Submissions (14):

Women's Health and Genetics/Laboratory Corporation of America, LabCorp
Classification: Uncertain significance. Last evaluated: 2026-05-13. Review status: criteria provided, single submitter. Criteria: LabCorp Variant Classification Summary - May 2015. Collection method: clinical testing. Allele origin: germline.
Comment: Variant summary: BRCA2 c.5897A>G (p.His1966Arg) results in a non-conservative amino acid change in the encoded protein sequence. Algorithms developed to predict the effect of missense changes on protein structure and function are either unavailable or do not agree on the potential impact of this missense change. The variant allele was found at a frequency of 2.8e-05 in 250962 control chromosomes. The available data on variant occurrences in the general population are insufficient to allow any conclusion about variant significance. c.5897A>G has been observed in individuals affected with breast and/or ovarian cancer without clear evidence for causality (Lee_2008, Hondow_2011, Gorringe_2008, Santonocito_2020, Fanale_2021, Abdel-Razeq_2021, Patruno_2021, Abdel-Razeq_2022). These reports do not provide unequivocal conclusions about association of the variant with Hereditary Breast And Ovarian Cancer Syndrome. To our knowledge, no experimental evidence demonstrating an impact on protein function has been reported. The following publications have been ascertained in the context of this evaluation (PMID: 21702907, 18284688, 17972171, 32438681, 34178674, 34290354, 34572941, 35402282). ClinVar contains an entry for this variant (Variation ID: 38006). Based on the evidence outlined above, the variant was classified as uncertain significance.

PreventionGenetics, part of Exact Sciences
Classification: Likely benign for BRCA2-related condition. Last evaluated: 2026-02-16. Review status: criteria provided, single submitter. Criteria: ACMG Guidelines, 2015. Collection method: clinical testing. Allele origin: germline.
Comment: This variant is classified as likely benign based on ACMG/AMP sequence variant interpretation guidelines (Richards et al. 2015 PMID: 25741868, with internal and published modifications).

Labcorp Genetics (formerly Invitae), Labcorp
Classification: Likely benign for Hereditary breast ovarian cancer syndrome. Last evaluated: 2026-02-03. Review status: criteria provided, single submitter. Criteria: Invitae Variant Classification Sherloc (09022015). Collection method: clinical testing. Allele origin: germline.

Quest Diagnostics Nichols Institute San Juan Capistrano
Classification: Uncertain significance. Last evaluated: 2025-07-29. Review status: criteria provided, single submitter. Criteria: Quest Diagnostics criteria. Collection method: clinical testing. Allele origin: unknown.
Comment: The BRCA2 c.5897A>G (p.His1966Arg) variant has been reported in individuals with breast and or ovarian cancer (PMID: 17972171 (2008), 18284688 (2008), 32438681 (2020), 34572941 (2021), 34178674 (2021), 35402282 (2022)) and described to be located in a region of the BRCA2 gene that is tolerant to missense sequence changes (PMID: 31911673 (2020)). In a large-scale breast cancer association study, the variant was observed in individuals with breast cancer as well reportedly unaffected individuals (PMID: 33471991 (2021), see also see also LOVD). The frequency of this variant in the general population (Genome Aggregation Database) is uninformative in the assessment of its pathogenicity. Analysis of this variant using bioinformatics tools for the prediction of the effect of amino acid changes on protein structure and function yielded predictions that this variant is benign. Based on the available information, we are unable to determine the clinical significance of this variant.

Dasa
Classification: Uncertain significance for Breast-ovarian cancer, familial, susceptibility to, 2. Last evaluated: 2025-05-23. Review status: criteria provided, single submitter. Criteria: DASA Assertion Criteria. Collection method: clinical testing. Allele origin: germline.
Comment: NM_000059.4(BRCA2):c.5897A>G (p.His1966Arg) is a missense variant that results in the substitution of histidine with arginine. This variant is rare in population databases. The currently available literature and clinical evidence are not sufficient to establish a definitive association between this variant and the reported condition. Therefore, this variant is classified as a variant of uncertain significance.

ARUP Laboratories, Molecular Genetics and Genomics, ARUP Laboratories
Classification: Likely benign. Last evaluated: 2024-12-31. Review status: criteria provided, single submitter. Criteria: ARUP Molecular Germline Variant Investigation Process 2024. Collection method: clinical testing. Allele origin: germline.

Blueprint Genetics
Classification: Likely benign. Last evaluated: 2024-10-08. Review status: criteria provided, single submitter. Criteria: ACMG Guidelines, 2015. Collection method: clinical testing. Allele origin: germline.

University of Washington Department of Laboratory Medicine, University of Washington
Classification: Likely benign for Hereditary cancer-predisposing syndrome. Last evaluated: 2023-03-23. Review status: criteria provided, single submitter. Criteria: Dines et al. (Genet Med. 2020). Collection method: curation. Allele origin: germline.
Comment: Missense variant in a coldspot region where missense variants are very unlikely to be pathogenic (PMID:31911673).

BRCA2 exon 11 coldspot. Reclassification based on statistical prior probability.

Sema4
Classification: Uncertain significance for Hereditary cancer-predisposing syndrome. Last evaluated: 2022-03-16. Review status: criteria provided, single submitter. Criteria: Sema4 Curation Guidelines. Collection method: curation. Allele origin: germline.
Comment: The BRCA2 c.5897A>G (p.H1966R) variant has been reported in heterozygosity in at least three individuals with breast and /or ovarian cancer (PMID: 18284688, 34178674, 32438681). It has been reported in a large case-control study of breast cancer in 5/60466 cases and 2/53461 controls (PMID: 33471991). This variant was observed in 7/250962 chromosomes across all populations in the large and broad cohorts in the Genome Aggregation Database (PMID: 32461654). This variant has been reported in ClinVar (Variation ID: 38006). Functional studies have not been performed, and in silico predictions of the variant's effect on protein function are inconclusive. The evidence is insufficient to meet ACMG/AMP criteria for classifying the variant as benign or pathogenic. Thus, the clinical significance of this variant is currently uncertain.

GeneDx
Classification: Likely benign. Last evaluated: 2020-08-04. Review status: criteria provided, single submitter. Criteria: GeneDx Variant Classification Process June 2021. Collection method: clinical testing. Allele origin: germline. Affected: yes.
Comment: This variant is associated with the following publications: (PMID: 18284688, 17972171)

Ambry Genetics
Classification: Likely benign for Hereditary cancer-predisposing syndrome. Last evaluated: 2019-01-21. Review status: criteria provided, single submitter. Criteria: Ambry Variant Classification Scheme 2023. Collection method: clinical testing. Allele origin: germline.

Color Diagnostics, LLC DBA Color Health
Classification: Benign for Hereditary cancer-predisposing syndrome. Last evaluated: 2017-02-02. Review status: criteria provided, single submitter. Criteria: ACMG Guidelines, 2015. Collection method: clinical testing. Allele origin: germline.

Sharing Clinical Reports Project (SCRP)
Classification: Benign for Breast-ovarian cancer, familial 2. Last evaluated: 2011-01-14. Review status: no assertion criteria provided. Collection method: clinical testing. Allele origin: germline. Not counted in ClinVar's aggregate classification.

Breast Cancer Information Core (BIC) (BRCA2)
Classification: Uncertain significance for Breast-ovarian cancer, familial 2. Last evaluated: 2004-02-20. Review status: no assertion criteria provided. Collection method: clinical testing. Allele origin: germline. Affected: yes. Observed: 7 variant alleles. Not counted in ClinVar's aggregate classification.

Literature cited by the submitters: PubMed 21702907 (cited by Women's Health and Genetics/Laboratory Corporation of America, LabCorp and Quest Diagnostics Nichols Institute San Juan Capistrano); PubMed 18284688 (cited by 3 submitters); PubMed 17972171 (cited by Women's Health and Genetics/Laboratory Corporation of America, LabCorp and Quest Diagnostics Nichols Institute San Juan Capistrano); PubMed 32438681 (cited by 3 submitters); PubMed 34178674 (cited by 3 submitters); PubMed 34290354 (cited by Women's Health and Genetics/Laboratory Corporation of America, LabCorp); PubMed 34572941 (cited by Women's Health and Genetics/Laboratory Corporation of America, LabCorp and Quest Diagnostics Nichols Institute San Juan Capistrano); PubMed 35402282 (cited by Women's Health and Genetics/Laboratory Corporation of America, LabCorp and Quest Diagnostics Nichols Institute San Juan Capistrano); PubMed 31911673 (cited by Quest Diagnostics Nichols Institute San Juan Capistrano); PubMed 33471991 (cited by Quest Diagnostics Nichols Institute San Juan Capistrano and Sema4).

NM_000059.4(BRCA2):c.5897A>G (p.His1966Arg)

Gene: BRCA2 (BRCA2 DNA repair associated; plus strand). Cytogenetic location: 13q13.1.
Variant type: single nucleotide variant.
Coding change: c.5897A>G on transcript NM_000059.4 (MANE Select); coding-DNA position 5897, A replaced by G.
Protein change: p.His1966Arg; replaces histidine 1966 with arginine.
Molecular consequence: missense variant.
Genome position (GRCh38, 1-based): chr13:32,340,252, A>G. VCF-style: chr13-32340252-A-G. GRCh37 (hg19) VCF-style: chr13-32914389-A-G.
Other names: p.H1966R:CAT>CGT; 6125A>G; short protein forms H1966R.
Identifiers: ClinVar variation 38006 (VCV000038006.46), dbSNP rs80358823, ClinGen allele CA023349.